The following is an entry in ClinVar:

ClinVar aggregate classification (germline): Likely pathogenic (1 of 4 stars; one submission).

Conditions:
Alport syndrome. Also called: Hemorrhagic familial nephritis; Hemorrhagic hereditary nephritis; Congenital hereditary hematuria. Identifiers: Orphanet 63, MedGen C1567741, MONDO:0018965.

Submission:

Natera, Inc.
Classification: Likely pathogenic for Alport syndrome. Last evaluated: 2024-07-19. Review status: criteria provided, single submitter. Criteria: Natera Variant Classification Schema (03/2026). Collection method: clinical testing. Allele origin: germline.
Comment: The c.1321_1369+10delCCTGGCTTGCCTGGAGCACCAGGCCTGCAGGGCCTCCCAGGATCAAGTGGTAAAGTACTinsAAGTACG variant in COL4A4 is a deletion-insertion (delins) variant predicted to replace one or more nucleotides with a different sequence, affecting a canonical splice donor site and part of an exon. This variant is expected to result in nonsense mediated decay, truncation, or a dysfunctional protein product. This variant is rare in the general population with a frequency below the threshold expected for the associated phenotype(s). Given the available evidence, this variant is classified as Likely Pathogenic.

NM_000092.5(COL4A4):c.1321_1369+10delinsAAGTACG

Gene: COL4A4 (collagen type IV alpha 4 chain; minus strand). Cytogenetic location: 2q36.3.
Variant type: Indel.
Coding change: c.1321_1369+10delinsAAGTACG on transcript NM_000092.5 (MANE Select); coding-DNA position 1321 through 10 bases into the intron after coding-DNA position 1369, the reference bases replaced by AAGTACG.
Molecular consequence: splice donor variant.
Genome position (GRCh38, 1-based): chr2:227,094,115-227,094,173, 59 bases replaced. GRCh37 (hg19): chr2:227,958,831-227,958,889.
Identifiers: ClinVar variation 4817289 (VCV004817289.1).